The following is an entry in ClinVar:

ClinVar aggregate classification (germline): Pathogenic/Likely pathogenic. Review status: criteria provided, multiple submitters, no conflicts (2 of 4 stars). 2 submissions from 2 submitters: Pathogenic (1); Likely pathogenic (1). Last evaluated 2026-09-01.

Conditions:
Developmental and epileptic encephalopathy, 14 (DEE14). Also called: Early infantile epileptic encephalopathy 14. Identifiers: Orphanet 293181, MedGen C3554195, MONDO:0013989, OMIM 614959.

Submissions (2):

CeGaT Center for Human Genetics Tuebingen
Classification: Likely pathogenic. Last evaluated: 2026-09-01. Review status: criteria provided, single submitter. Criteria: CeGaT Center For Human Genetics Tuebingen Variant Classification Criteria Version 2. Collection method: clinical testing. Allele origin: germline. Affected: yes. Observed: 1 variant allele.
Comment: KCNT1: PM1, PM2, PS2:Moderate

Mendelics
Classification: Pathogenic for Developmental and epileptic encephalopathy, 14. Last evaluated: 2022-05-04. Review status: criteria provided, single submitter. Criteria: Mendelics Assertion Criteria 2019. Collection method: clinical testing. Allele origin: germline.

NM_020822.3(KCNT1):c.841C>T (p.Leu281Phe)

Gene: KCNT1 (potassium sodium-activated channel subfamily T member 1; plus strand). Cytogenetic location: 9q34.3.
Variant type: single nucleotide variant.
Coding change: c.841C>T on transcript NM_020822.3 (MANE Select); coding-DNA position 841, C replaced by T.
Protein change: p.Leu281Phe; replaces leucine 281 with phenylalanine.
Molecular consequence: missense variant.
Genome position (GRCh38, 1-based): chr9:135,758,495, C>T. VCF-style: chr9-135758495-C-T. GRCh37 (hg19) VCF-style: chr9-138650341-C-T.
Other names: c.697C>T, p.Leu233Phe (NM_001272003.2); short protein forms L233F, L281F.
Identifiers: ClinVar variation 1685902 (VCV001685902.29), dbSNP rs1057522914, ClinGen allele CA375498292.